The following is an entry in ClinVar:

ClinVar aggregate classification (germline): Likely benign. Review status: criteria provided, multiple submitters, no conflicts (2 of 4 stars). 2 submissions from 2 submitters: Likely benign (2). Last evaluated 2026-01-01.

Allele frequency attached by ClinVar (database versions not stated): TOPMed below 0.00001; gnomAD 0.00001; gnomAD exomes 0.00001 and 0.00002; ExAC 0.00005.
gnomAD v4.1: 15 of 1,551,572 alleles (0.00097%); highest among the groups gnomAD compares: South Asian, 0.014%; 1 homozygote.

Submissions (2):

CeGaT Center for Human Genetics Tuebingen
Classification: Likely benign. Last evaluated: 2026-01-01. Review status: criteria provided, single submitter. Criteria: CeGaT Center For Human Genetics Tuebingen Variant Classification Criteria Version 2. Collection method: clinical testing. Allele origin: germline. Affected: yes. Observed: 1 variant allele.
Comment: FOXI3: BP4, BP7

Labcorp Genetics (formerly Invitae), Labcorp
Classification: Likely benign. Last evaluated: 2024-04-25. Review status: criteria provided, single submitter. Criteria: Invitae Variant Classification Sherloc (09022015). Collection method: clinical testing. Allele origin: germline.

NM_001135649.3(FOXI3):c.1149C>T (p.Tyr383=)

Gene: FOXI3 (forkhead box I3; minus strand). Cytogenetic location: 2p11.2.
Variant type: single nucleotide variant.
Coding change: c.1149C>T on transcript NM_001135649.3 (MANE Select); coding-DNA position 1149, C replaced by T.
Protein change: p.Tyr383=; no amino-acid change (tyrosine 383 retained).
Molecular consequence: synonymous variant.
Genome position (GRCh38, 1-based): chr2:88,448,321, G>A on the plus strand (C>T on the coding strand, the complement: FOXI3 is on the minus strand). VCF-style: chr2-88448321-G-A. GRCh37 (hg19) VCF-style: chr2-88747840-G-A.
Identifiers: ClinVar variation 1613456 (VCV001613456.12), dbSNP rs757531790, ClinGen allele CA1753962.